The following is an entry in ClinVar:

ClinVar aggregate classification (germline): Uncertain significance. Review status: criteria provided, multiple submitters, no conflicts (2 of 4 stars). 2 submissions from 2 submitters: Uncertain significance (2). Last evaluated 2024-06-17.

Conditions:
Cryopyrin associated periodic syndrome (CAPS). Identifiers: Orphanet 208650, MedGen C2316212, MONDO:0016168.
Chronic infantile neurological, cutaneous and articular syndrome (CINCA). Also called: Prieur Griscelli syndrome; CINCA syndrome; CRYOPYRIN-ASSOCIATED PERIODIC SYNDROME 3; CHRONIC NEUROLOGIC CUTANEOUS AND ARTICULAR SYNDROME. Identifiers: Orphanet 1451, MedGen C0409818, MONDO:0011776, OMIM 607115.
Familial amyloid nephropathy with urticaria AND deafness (MWS). Also called: MUCKLE-WELLS SYNDROME; Urticaria, deafness and amyloidosis; UDA SYNDROME; URTICARIA-DEAFNESS-AMYLOIDOSIS SYNDROME; CRYOPYRIN-ASSOCIATED PERIODIC SYNDROME 2. Identifiers: Orphanet 575, MedGen C0268390, MONDO:0008633, OMIM 191900.
Keratitis fugax hereditaria. Also called: KERATOENDOTHELIITIS FUGAX HEREDITARIA. Identifiers: Orphanet 647815, MedGen C1835697, MONDO:0007849, OMIM 148200.
Familial cold autoinflammatory syndrome 1 (FCAS1). Also called: CRYOPYRIN-ASSOCIATED PERIODIC SYNDROME 1; Familial cold inflammatory syndrome 1. Identifiers: Orphanet 47045, MedGen C4551895, MONDO:0007349, OMIM 120100.
Hearing loss, autosomal dominant 34, with or without inflammation. Also called: DEAFNESS, AUTOSOMAL DOMINANT 34, WITH OR WITHOUT INFLAMMATION. Identifiers: MedGen C4521680, MONDO:0033261, OMIM 617772.

Allele frequency attached by ClinVar (database versions not stated): gnomAD exomes below 0.00001; ExAC 0.00001.
gnomAD v4.1: 5 of 1,607,930 alleles (0.00031%); highest among the groups gnomAD compares: African/African-American, 0.0013%; no homozygotes.

Submissions (2):

Fulgent Genetics
Classification: Uncertain significance for Familial cold autoinflammatory syndrome 1; Keratitis fugax hereditaria; Familial amyloid nephropathy with urticaria AND deafness; Chronic infantile neurological, cutaneous and articular syndrome; Hearing loss, autosomal dominant 34, with or without inflammation. Last evaluated: 2024-06-17. Review status: criteria provided, single submitter. Criteria: ACMG Guidelines, 2015. Collection method: clinical testing. Allele origin: germline.

Labcorp Genetics (formerly Invitae), Labcorp
Classification: Uncertain significance for Cryopyrin associated periodic syndrome. Last evaluated: 2021-05-30. Review status: criteria provided, single submitter. Criteria: Invitae Variant Classification Sherloc (09022015). Collection method: clinical testing. Allele origin: germline.
Comment: In summary, the available evidence is currently insufficient to determine the role of this variant in disease. Therefore, it has been classified as a Variant of Uncertain Significance. Algorithms developed to predict the effect of missense changes on protein structure and function (SIFT, PolyPhen-2, Align-GVGD) all suggest that this variant is likely to be tolerated, but these predictions have not been confirmed by published functional studies and their clinical significance is uncertain. This variant has not been reported in the literature in individuals with NLRP3-related conditions. This variant is present in population databases (rs764806756, ExAC 0.002%). This sequence change replaces cysteine with tyrosine at codon 463 of the NLRP3 protein (p.Cys463Tyr). The cysteine residue is weakly conserved and there is a large physicochemical difference between cysteine and tyrosine.

NM_001243133.2(NLRP3):c.1382G>A (p.Cys461Tyr)

Gene: NLRP3 (NLR family pyrin domain containing 3; plus strand). Cytogenetic location: 1q44.
Variant type: single nucleotide variant.
Coding change: c.1382G>A on transcript NM_001243133.2 (MANE Select); coding-DNA position 1382, G replaced by A.
Protein change: p.Cys461Tyr; replaces cysteine 461 with tyrosine.
Molecular consequence: missense variant.
Genome position (GRCh38, 1-based): chr1:247,424,831, G>A. VCF-style: chr1-247424831-G-A. GRCh37 (hg19) VCF-style: chr1-247588133-G-A.
Other names: c.1388G>A (NM_004895.4); c.1382G>A, p.Cys461Tyr (NM_001079821.3, NM_001127461.3, NM_001127462.3 and 1 more transcripts); c.1388G>A, p.Cys463Tyr (NM_004895.5); short protein forms C463Y, C461Y.
Identifiers: ClinVar variation 1494812 (VCV001494812.9), dbSNP rs764806756, ClinGen allele CA1495024.